The following is an entry in ClinVar:

ClinVar aggregate classification (germline): Uncertain significance (1 of 4 stars; one submission).

Allele frequency attached by ClinVar (database versions not stated): TOPMed 0.00002; gnomAD 0.00001.
gnomAD v4.1: 2 of 1,611,840 alleles (0.00012%); highest among the groups gnomAD compares: Admixed American, 0.0017%; no homozygotes.

Submission:

Labcorp Genetics (formerly Invitae), Labcorp
Classification: Uncertain significance. Last evaluated: 2022-09-13. Review status: criteria provided, single submitter. Criteria: Invitae Variant Classification Sherloc (09022015). Collection method: clinical testing. Allele origin: germline.
Comment: This sequence change replaces isoleucine, which is neutral and non-polar, with valine, which is neutral and non-polar, at codon 1243 of the MPDZ protein (p.Ile1243Val). This variant is not present in population databases (gnomAD no frequency). This variant has not been reported in the literature in individuals affected with MPDZ-related conditions. ClinVar contains an entry for this variant (Variation ID: 1377054). Algorithms developed to predict the effect of missense changes on protein structure and function output the following: SIFT: "Tolerated"; PolyPhen-2: "Benign"; Align-GVGD: "Class C0". The valine amino acid residue is found in multiple mammalian species, which suggests that this missense change does not adversely affect protein function. In summary, the available evidence is currently insufficient to determine the role of this variant in disease. Therefore, it has been classified as a Variant of Uncertain Significance.

NM_001378778.1(MPDZ):c.3727A>G (p.Ile1243Val)

Gene: MPDZ (multiple PDZ domain crumbs cell polarity complex component; minus strand). Cytogenetic location: 9p23.
Variant type: single nucleotide variant.
Coding change: c.3727A>G on transcript NM_001378778.1 (MANE Select); coding-DNA position 3727, A replaced by G.
Protein change: p.Ile1243Val; replaces isoleucine 1243 with valine.
Molecular consequence: missense variant. On other transcripts: intron variant (8).
Genome position (GRCh38, 1-based): chr9:13,147,562, T>C on the plus strand (A>G on the coding strand, the complement: MPDZ is on the minus strand). VCF-style: chr9-13147562-T-C. GRCh37 (hg19) VCF-style: chr9-13147561-T-C.
Other names: c.3727A>G, p.Ile1243Val (NM_001261406.2, NM_001261407.2, NM_001330637.2 and 6 more transcripts); c.3630+2949A>G (NM_001375425.1, NM_001375420.1, NM_001375423.1 and 4 more transcripts); c.3432+2949A>G (NM_001375427.1); short protein forms I1243V.
Identifiers: ClinVar variation 1377054 (VCV001377054.5), dbSNP rs1186698161, ClinGen allele CA372950388.